The following is an entry in ClinVar:

ClinVar aggregate classification (germline): Uncertain significance. Review status: criteria provided, multiple submitters, no conflicts (2 of 4 stars). 2 submissions from 2 submitters: Uncertain significance (2). Last evaluated 2023-10-12.

Conditions:
Inborn genetic diseases. Identifiers: MedGen C0950123, MeSH D030342.

Allele frequency attached by ClinVar (database versions not stated): gnomAD exomes below 0.00001.

Submissions (2):

Ambry Genetics
Classification: Uncertain significance for Inborn genetic diseases. Last evaluated: 2023-10-12. Review status: criteria provided, single submitter. Criteria: Ambry Variant Classification Scheme 2023. Collection method: clinical testing. Allele origin: germline.
Comment: The p.L90V variant (also known as c.268C>G), located in coding exon 3 of the MDH2 gene, results from a C to G substitution at nucleotide position 268. The leucine at codon 90 is replaced by valine, an amino acid with highly similar properties. This amino acid position is conserved. In addition, this alteration is predicted to be tolerated by in silico analysis. Since supporting evidence is limited at this time, the clinical significance of this alteration remains unclear.

Labcorp Genetics (formerly Invitae), Labcorp
Classification: Uncertain significance. Last evaluated: 2022-03-12. Review status: criteria provided, single submitter. Criteria: Invitae Variant Classification Sherloc (09022015). Collection method: clinical testing. Allele origin: germline.
Comment: This sequence change replaces leucine, which is neutral and non-polar, with valine, which is neutral and non-polar, at codon 90 of the MDH2 protein (p.Leu90Val). This variant is present in population databases (no rsID available, gnomAD 0.0009%). This variant has not been reported in the literature in individuals affected with MDH2-related conditions. Algorithms developed to predict the effect of missense changes on protein structure and function (SIFT, PolyPhen-2, Align-GVGD) all suggest that this variant is likely to be tolerated. In summary, the available evidence is currently insufficient to determine the role of this variant in disease. Therefore, it has been classified as a Variant of Uncertain Significance.

NM_005918.4(MDH2):c.268C>G (p.Leu90Val)

Gene: MDH2 (malate dehydrogenase 2; plus strand). Cytogenetic location: 7q11.23.
Variant type: single nucleotide variant.
Coding change: c.268C>G on transcript NM_005918.4 (MANE Select); coding-DNA position 268, C replaced by G.
Protein change: p.Leu90Val; replaces leucine 90 with valine.
Molecular consequence: missense variant. On other transcripts: 5 prime UTR variant (1).
Genome position (GRCh38, 1-based): chr7:76,057,442, C>G. VCF-style: chr7-76057442-C-G. GRCh37 (hg19) VCF-style: chr7-75686760-C-G.
Other names: c.268C>G, p.Leu90Val (NM_001282403.2); c.-54C>G (NM_001282404.2); short protein forms L90V.
Identifiers: ClinVar variation 1794777 (VCV001794777.4), dbSNP rs1554586411, ClinGen allele CA367763381.